The following is an entry in ClinVar:

ClinVar aggregate classification (germline): Benign/Likely benign. Review status: criteria provided, multiple submitters, no conflicts (2 of 4 stars). 12 submissions from 12 submitters: Benign (8); Likely benign (1). 3 of the submissions do not count toward it. Last evaluated 2026-02-02.

Conditions:
Collagen 6-related myopathy. Identifiers: MedGen CN117976, MONDO:0100225.
Bethlem myopathy 1A. Also called: MYOPATHY, BENIGN CONGENITAL, WITH CONTRACTURES; Bethlem Muscular Dystrophy; Bethlem myopathy 1. Identifiers: Orphanet 610, MedGen CN029274, MONDO:0024530, OMIM 158810.

Allele frequency attached by ClinVar (database versions not stated): 1000 Genomes Project 30x 0.04185; 1000 Genomes Project 0.04313; TOPMed 0.06450; gnomAD 0.06809 and 0.06890; ESP Exome Variant Server 0.07100; gnomAD exomes 0.07467 and 0.09739; ExAC 0.07508.
gnomAD v4.1: 152,276 of 1,614,054 alleles (9.4%); highest among the groups gnomAD compares: Non-Finnish European, 11%; 8,107 homozygotes.

Submissions (12):

Labcorp Genetics (formerly Invitae), Labcorp
Classification: Benign for Bethlem myopathy 1A. Last evaluated: 2026-02-02. Review status: criteria provided, single submitter. Criteria: Invitae Variant Classification Sherloc (09022015). Collection method: clinical testing. Allele origin: germline.

Blueprint Genetics
Classification: Likely benign. Last evaluated: 2024-11-26. Review status: criteria provided, single submitter. Criteria: ACMG Guidelines, 2015. Collection method: clinical testing. Allele origin: germline.

Illumina Laboratory Services, Illumina
Classification: Benign for Collagen VI-related myopathy. Last evaluated: 2018-01-13. Review status: criteria provided, single submitter. Criteria: ICSL Variant Classification Criteria 13 December 2019. Collection method: clinical testing. Allele origin: germline.
Comment: This variant was observed in the ICSL laboratory as part of a predisposition screen in an ostensibly healthy population. It had not been previously curated by ICSL or reported in the Human Gene Mutation Database (HGMD: prior to June 1st, 2018), and was therefore a candidate for classification through an automated scoring system. Utilizing variant allele frequency, disease prevalence and penetrance estimates, and inheritance mode, an automated score was calculated to assess if this variant is too frequent to cause the disease. Based on the score and internal cut-off values, a variant classified as benign is not then subjected to further curation. The score for this variant resulted in a classification of benign for this disease.

Mayo Clinic Laboratories, Mayo Clinic
Classification: Benign. Last evaluated: 2017-10-10. Review status: criteria provided, single submitter. Criteria: ACMG Guidelines, 2015. Collection method: clinical testing. Allele origin: germline. Observed: 118 variant alleles.

Athena Diagnostics
Classification: Benign. Last evaluated: 2017-09-14. Review status: criteria provided, single submitter. Criteria: Athena Diagnostics Criteria. Collection method: clinical testing. Allele origin: germline.

GeneDx
Classification: Benign. Last evaluated: 2016-01-05. Review status: criteria provided, single submitter. Criteria: GeneDx Variant Classification (06012015). Collection method: clinical testing. Allele origin: germline. Affected: yes.
Comment: This variant is considered likely benign or benign based on one or more of the following criteria: it is a conservative change, it occurs at a poorly conserved position in the protein, it is predicted to be benign by multiple in silico algorithms, and/or has population frequency not consistent with disease.

Eurofins Ntd Llc (ga)
Classification: Benign. Last evaluated: 2012-08-07. Review status: criteria provided, single submitter. Criteria: EGL Classification Definitions 2015. Collection method: clinical testing. Allele origin: germline. Observed: 19 variant alleles, 17 heterozygotes, 2 homozygotes.

Breakthrough Genomics
Classification: Benign. Review status: criteria provided, single submitter. Criteria: ACMG Guidelines, 2015. Collection method: not provided. Allele origin: germline. Inheritance: Autosomal recessive inheritance. Affected: yes.

PreventionGenetics, part of Exact Sciences
Classification: Benign. Review status: criteria provided, single submitter. Criteria: ACMG Guidelines, 2015. Collection method: clinical testing. Allele origin: germline.

Clinical Genetics, Academic Medical Center
Classification: Benign. Review status: no assertion criteria provided. Collection method: clinical testing. Allele origin: germline. Affected: yes. Study: VKGL Data-share Consensus. Not counted in ClinVar's aggregate classification.

Genetic Services Laboratory, University of Chicago
Classification: Likely benign for AllHighlyPenetrant. Review status: no assertion criteria provided. Collection method: clinical testing. Allele origin: germline. Not counted in ClinVar's aggregate classification.
Comment: Likely benign based on allele frequency in 1000 Genomes Project or ESP global frequency and its presence in a patient with a rare or unrelated disease phenotype. NOT Sanger confirmed.

Joint Genome Diagnostic Labs from Nijmegen and Maastricht, Radboudumc and MUMC+
Classification: Benign. Review status: no assertion criteria provided. Collection method: clinical testing. Allele origin: germline. Affected: yes. Study: VKGL Data-share Consensus. Not counted in ClinVar's aggregate classification.

NM_004369.4(COL6A3):c.8820G>A (p.Thr2940=)

Gene: COL6A3 (collagen type VI alpha 3 chain; minus strand). Cytogenetic location: 2q37.3.
Variant type: single nucleotide variant.
Coding change: c.8820G>A on transcript NM_004369.4 (MANE Select); coding-DNA position 8820, G replaced by A.
Protein change: p.Thr2940=; no amino-acid change (threonine 2940 retained).
Molecular consequence: synonymous variant.
Genome position (GRCh38, 1-based): chr2:237,336,280, C>T on the plus strand (G>A on the coding strand, the complement: COL6A3 is on the minus strand). VCF-style: chr2-237336280-C-T. GRCh37 (hg19) VCF-style: chr2-238244923-C-T.
Other names: p.Thr2940=; c.6999G>A, p.Thr2333= (NM_057166.5); c.8202G>A, p.Thr2734= (NM_057167.4).
Identifiers: ClinVar variation 95009 (VCV000095009.30), dbSNP rs11683438, ClinGen allele CA148072.